The following is an entry in ClinVar:

NM_001080467.3(MYO5B):c.706G>A (p.Gly236Arg)

Gene: MYO5B (myosin VB; minus strand). Cytogenetic location: 18q21.1.
Variant type: single nucleotide variant.
Coding change: c.706G>A on transcript NM_001080467.3 (MANE Select); coding-DNA position 706, G replaced by A.
Protein change: p.Gly236Arg; replaces glycine 236 with arginine.
Molecular consequence: missense variant.
Genome position (GRCh38, 1-based): chr18:49,992,338, C>T on the plus strand (G>A on the coding strand, the complement: MYO5B is on the minus strand). VCF-style: chr18-49992338-C-T. GRCh37 (hg19) VCF-style: chr18-47518708-C-T.
Other names: c.706G>A (NM_001080467.2); short protein forms G236R.
Identifiers: ClinVar variation 1504595 (VCV001504595.8), dbSNP rs200010695, ClinGen allele CA8961812.

ClinVar aggregate classification (germline): Uncertain significance. Review status: criteria provided, multiple submitters, no conflicts (2 of 4 stars). 3 submissions from 3 submitters: Uncertain significance (3). Last evaluated 2025-07-21.

Conditions:
MYO5B-related disorder. Also called: MYO5B-related condition.

Allele frequency attached by ClinVar (database versions not stated): ExAC 0.00004; gnomAD exomes 0.00004 and 0.00007; gnomAD 0.00008 and 0.00009; TOPMed 0.00008; ESP Exome Variant Server 0.00025.
gnomAD v4.1: 114 of 1,613,984 alleles (0.0071%); highest among the groups gnomAD compares: African/African-American, 0.011%; no homozygotes.

Submissions (3):

PreventionGenetics, part of Exact Sciences
Classification: Uncertain significance for MYO5B-related condition. Last evaluated: 2025-07-21. Review status: criteria provided, single submitter. Criteria: ACMG Guidelines, 2015. Collection method: clinical testing. Allele origin: germline.
Comment: The MYO5B c.706G>A variant is predicted to result in the amino acid substitution p.Gly236Arg. To our knowledge, this variant has not been reported in the literature. This variant is reported in 0.012% of alleles in individuals of African descent in gnomAD. At this time, the clinical significance of this variant is uncertain due to the absence of conclusive functional and genetic evidence.

Labcorp Genetics (formerly Invitae), Labcorp
Classification: Uncertain significance. Last evaluated: 2024-02-24. Review status: criteria provided, single submitter. Criteria: Invitae Variant Classification Sherloc (09022015). Collection method: clinical testing. Allele origin: germline.
Comment: This sequence change replaces glycine, which is neutral and non-polar, with arginine, which is basic and polar, at codon 236 of the MYO5B protein (p.Gly236Arg). This variant is present in population databases (rs200010695, gnomAD 0.01%). This variant has not been reported in the literature in individuals affected with MYO5B-related conditions. ClinVar contains an entry for this variant (Variation ID: 1504595). Advanced modeling of protein sequence and biophysical properties (such as structural, functional, and spatial information, amino acid conservation, physicochemical variation, residue mobility, and thermodynamic stability) performed at Invitae indicates that this missense variant is expected to disrupt MYO5B protein function with a positive predictive value of 80%. In summary, the available evidence is currently insufficient to determine the role of this variant in disease. Therefore, it has been classified as a Variant of Uncertain Significance.

Breakthrough Genomics
Classification: Uncertain significance. Review status: criteria provided, single submitter. Criteria: ACMG Guidelines, 2015. Collection method: not provided. Allele origin: germline. Inheritance: Autosomal recessive inheritance. Affected: yes.